The following is an entry in ClinVar:

ClinVar aggregate classification (germline): Benign (0 of 4 stars; one submission).

Conditions:
UACA-related disorder. Also called: UACA-related condition.

Allele frequency attached by ClinVar (database versions not stated): 1000 Genomes Project 30x 0.72939; 1000 Genomes Project 0.73043; TOPMed 0.79978; ESP Exome Variant Server 0.81135.
gnomAD v4.1: 1,375,389 of 1,608,862 alleles (85%); highest among the groups gnomAD compares: Admixed American, 89%; 592,889 homozygotes.

Submission:

PreventionGenetics, part of Exact Sciences
Classification: Benign for UACA-related condition. Last evaluated: 2019-10-17. Review status: no assertion criteria provided. Collection method: clinical testing. Allele origin: germline.
Comment: This variant is classified as benign based on ACMG/AMP sequence variant interpretation guidelines (Richards et al. 2015 PMID: 25741868, with internal and published modifications).

NM_018003.4(UACA):c.153C>G (p.Thr51=)

Gene: UACA (uveal autoantigen with coiled-coil domains and ankyrin repeats; minus strand). Cytogenetic location: 15q23.
Variant type: single nucleotide variant.
Coding change: c.153C>G on transcript NM_018003.4 (MANE Select); coding-DNA position 153, C replaced by G.
Protein change: p.Thr51=; no amino-acid change (threonine 51 retained).
Molecular consequence: synonymous variant.
Genome position (GRCh38, 1-based): chr15:70,699,586, G>C on the plus strand (C>G on the coding strand, the complement: UACA is on the minus strand). VCF-style: chr15-70699586-G-C. GRCh37 (hg19) VCF-style: chr15-70991925-G-C.
Other names: c.114C>G, p.Thr38= (NM_001008224.3).
Identifiers: ClinVar variation 3059942 (VCV003059942.2), dbSNP rs4776525, ClinGen allele CA7637582.
Genomic context (GRCh38, chr15:70,699,586, plus strand): 5'-CACAGATCTGCCTTCCACATCTAGTTTGCCTGGATTGACCCCCTTTTTAGCAAGGATTGA[G>C]GTCACTTTTTCTACATCCCCCCTTTCTGCTGCTTTCATCAATCGGTCATCATATTTATTC-3'
Protein context (NP_060473.2, residues 41-61): AAERGDVEKV[Thr51=]SILAKKGVNP